The following is an entry in ClinVar:

NM_001035.3(RYR2):c.5120T>C (p.Ile1707Thr)

Gene: RYR2 (ryanodine receptor 2; plus strand). Cytogenetic location: 1q43.
Variant type: single nucleotide variant.
Coding change: c.5120T>C on transcript NM_001035.3 (MANE Select); coding-DNA position 5120, T replaced by C.
Protein change: p.Ile1707Thr; replaces isoleucine 1707 with threonine.
Molecular consequence: missense variant.
Genome position (GRCh38, 1-based): chr1:237,614,248, T>C. VCF-style: chr1-237614248-T-C. GRCh37 (hg19) VCF-style: chr1-237777548-T-C.
Other names: short protein forms I1707T.
Identifiers: ClinVar variation 3073788 (VCV003073788.1), dbSNP rs1678215875, ClinGen allele CA345404059.
Genomic context (GRCh38, chr1:237,614,248, plus strand): 5'-ATGCCATTGAGAACAAGTACATGCCTGGTTTGCTGCGTGCTGGCTACTATGACCTGCTGA[T>C]TGACATCCACCTGAGCTCCTATGCCACTGCCAGGCTCATGATGAACAACGAGTACATTGT-3'
Protein context (NP_001026.2, residues 1697-1717): LLRAGYYDLL[Ile1707Thr]DIHLSSYATA

ClinVar aggregate classification (germline): Uncertain significance (1 of 4 stars; one submission).

Conditions:
Catecholaminergic polymorphic ventricular tachycardia (CVPT). Also called: Catecholamine-induced polymorphic ventricular tachycardia. Identifiers: Orphanet 3286, MedGen C5574922, MONDO:0017990.

Submission:

All of Us Research Program, National Institutes of Health
Classification: Uncertain significance for Catecholaminergic polymorphic ventricular tachycardia. Last evaluated: 2023-10-06. Review status: criteria provided, single submitter. Criteria: ACMG Guidelines, 2015. Collection method: clinical testing. Allele origin: germline. Inheritance: Autosomal dominant inheritance. Observed: 1 variant allele, 1 heterozygote.
Comment: This missense variant replaces isoleucine with threonine at codon 1707 of the RYR2 protein. Computational prediction suggests that this variant may have deleterious impact on protein structure and function (internally defined REVEL score threshold >= 0.7, PMID: 27666373). To our knowledge, functional studies have not been reported for this variant. This variant has not been reported in individuals affected with RYR2-related disorders in the literature. This variant has not been identified in the general population by the Genome Aggregation Database (gnomAD). The available evidence is insufficient to determine the role of this variant in disease conclusively. Therefore, this variant is classified as a Variant of Uncertain Significance.

This study involves interpretation of variants in research participants for the purpose of population health screening. Participant phenotype was not available at the time of variant classification. Additional details can be found in publication PMID: 35346344, PMCID: PMC8962531